The following is an entry in ClinVar:

ClinVar aggregate classification (germline): Uncertain significance (1 of 4 stars; one submission).

gnomAD v4.1: 25 of 1,613,538 alleles (0.0015%); highest among the groups gnomAD compares: Admixed American, 0.012%; no homozygotes.

Submission:

Labcorp Genetics (formerly Invitae), Labcorp
Classification: Uncertain significance. Last evaluated: 2024-07-21. Review status: criteria provided, single submitter. Criteria: Invitae Variant Classification Sherloc (09022015). Collection method: clinical testing. Allele origin: germline.
Comment: This sequence change replaces proline, which is neutral and non-polar, with leucine, which is neutral and non-polar, at codon 661 of the ZNF687 protein (p.Pro661Leu). This variant is present in population databases (rs769415035, gnomAD 0.01%). This variant has not been reported in the literature in individuals affected with ZNF687-related conditions. An algorithm developed to predict the effect of missense changes on protein structure and function outputs the following: PolyPhen-2: "Probably Damaging". The leucine amino acid residue is found in multiple mammalian species, which suggests that this missense change does not adversely affect protein function. In summary, the available evidence is currently insufficient to determine the role of this variant in disease. Therefore, it has been classified as a Variant of Uncertain Significance.

NM_020832.3(ZNF687):c.1982C>T (p.Pro661Leu)

Gene: ZNF687 (zinc finger protein 687; plus strand). Cytogenetic location: 1q21.3.
Variant type: single nucleotide variant.
Coding change: c.1982C>T on transcript NM_020832.3 (MANE Select); coding-DNA position 1982, C replaced by T.
Protein change: p.Pro661Leu; replaces proline 661 with leucine.
Molecular consequence: missense variant.
Genome position (GRCh38, 1-based): chr1:151,288,273, C>T. VCF-style: chr1-151288273-C-T. GRCh37 (hg19) VCF-style: chr1-151260749-C-T.
Other names: c.1982C>T, p.Pro661Leu (NM_001304763.2, NM_001304764.2); short protein forms P661L.
Identifiers: ClinVar variation 3608168 (VCV003608168.2).
Genomic context (GRCh38, chr1:151,288,273, plus strand): 5'-CCTCCTCTGCCATTACTACAGTTGCTGCTGAGGCCCCTGTCCTGCCGCTCTCCACAGAGC[C>T]GCCTGCTGCCCCGGCCACCTCTGCTTACACATGCTTTCGCTGCCTGGAGTGCAAGGAACA-3'
Protein context (NP_065883.1, residues 651-671): EAPVLPLSTE[Pro661Leu]PAAPATSAYT